The following is an entry in ClinVar:

NM_015021.3(ZNF292):c.6145del (p.Ser2049fs)

Gene: ZNF292 (zinc finger protein 292; plus strand). Cytogenetic location: 6q14.3.
Variant type: Deletion.
Coding change: c.6145del on transcript NM_015021.3 (MANE Select); coding-DNA position 6145, one base deleted (A; older notation c.6145delA).
Protein change: p.Ser2049fs; shifts the reading frame from serine 2049.
Molecular consequence: frameshift variant.
Genome position (GRCh38, 1-based): chr6:87,259,774, A deleted; the last of 9 consecutive A bases (chr6:87,259,766-87,259,774); deleting any one gives the same sequence. VCF-style (leftmost placement, unchanged base first): chr6-87259765-GA-G. GRCh37 (hg19) VCF-style: chr6-87969483-GA-G.
Other names: c.5725del, p.Ser1909fs (NM_001351444.2); c.6145del (NM_015021.1); short protein forms S1909fs, S2049fs.
Identifiers: ClinVar variation 1708233 (VCV001708233.5), dbSNP rs764995318, ClinGen allele CA3914575.

ClinVar aggregate classification (germline): Likely pathogenic. Review status: criteria provided, multiple submitters, no conflicts (2 of 4 stars). 2 submissions from 2 submitters: Likely pathogenic (2). Last evaluated 2025-10-21.

Conditions:
Intellectual developmental disorder, autosomal dominant 64. Also called: MENTAL RETARDATION, AUTOSOMAL DOMINANT 64. Identifiers: MedGen C5543067, MONDO:0030934, OMIM 619188.

Submissions (2):

GeneDx
Classification: Likely pathogenic. Last evaluated: 2025-10-21. Review status: criteria provided, single submitter. Criteria: GeneDx Variant Classification Process June 2021. Collection method: clinical testing. Allele origin: germline. Affected: yes.
Comment: Frameshift variant predicted to result in abnormal protein length as the last 675 amino acids are replaced with 10 different amino acids, and other similar variants have been reported in HGMD; Has not been previously published as pathogenic or benign to our knowledge

Genetics Laboratory, UDIAT-Centre Diagnòstic, Hospital Universitari Parc Tauli
Classification: Likely pathogenic for Intellectual developmental disorder, autosomal dominant 64. Last evaluated: 2022-10-04. Review status: criteria provided, single submitter. Criteria: Parc Tauli Hospital Assertion Criteria 2021. Collection method: clinical testing. Allele origin: de novo. Inheritance: Autosomal dominant inheritance. Affected: yes.
Comment: PVS1_strong;PM2_supporting;PM6;PM1